The following is an entry in ClinVar:

NM_017588.3(WDR5):c.677G>A (p.Gly226Asp)

Gene: WDR5 (WD repeat domain 5; plus strand). Cytogenetic location: 9q34.2.
Variant type: single nucleotide variant.
Coding change: c.677G>A on transcript NM_017588.3 (MANE Select); coding-DNA position 677, G replaced by A.
Protein change: p.Gly226Asp; replaces glycine 226 with aspartic acid.
Molecular consequence: missense variant.
Genome position (GRCh38, 1-based): chr9:134,154,511, G>A. VCF-style: chr9-134154511-G-A. GRCh37 (hg19) VCF-style: chr9-137019633-G-A.
Other names: c.677G>A, p.Gly226Asp (NM_001384409.1, NM_001384410.1, NM_001384411.1 and 5 more transcripts); c.674G>A, p.Gly225Asp (NM_001384416.1); c.668G>A, p.Gly223Asp (NM_001384417.1); c.548G>A, p.Gly183Asp (NM_001384418.1, NM_001384419.1); short protein forms G183D, G223D, G225D, G226D.
Identifiers: ClinVar variation 3367925 (VCV003367925.1).

ClinVar aggregate classification (germline): Uncertain significance (1 of 4 stars; one submission).

Submission:

GeneDx
Classification: Uncertain significance. Last evaluated: 2024-01-12. Review status: criteria provided, single submitter. Criteria: GeneDx Variant Classification Process June 2021. Collection method: clinical testing. Allele origin: germline. Affected: yes.
Comment: Not observed at significant frequency in large population cohorts (gnomAD); In silico analysis supports that this missense variant has a deleterious effect on protein structure/function; Has not been previously published as pathogenic or benign to our knowledge